The following is an entry in ClinVar:

ClinVar aggregate classification (germline): Pathogenic. Review status: criteria provided, multiple submitters, no conflicts (2 of 4 stars). 3 submissions from 3 submitters: Pathogenic (3). Last evaluated 2020-01-02.

Conditions:
Cardiovascular phenotype. Identifiers: MedGen CN230736.
Hereditary cancer-predisposing syndrome. Also called: Hereditary Cancer Syndrome; Tumor predisposition; Neoplastic Syndromes, Hereditary; Hereditary neoplastic syndrome. Identifiers: Orphanet 140162, MedGen C0027672, MeSH D009386, MONDO:0015356.
Neurofibromatosis, type 1 (NF1). Also called: Peripheral type neurofibromatosis; VON RECKLINGHAUSEN DISEASE; NEUROFIBROMATOSIS, TYPE I, SOMATIC; Neurofibromatosis, type I. Identifiers: Orphanet 636, MedGen C0027831, MONDO:0018975, OMIM 162200. Disease mechanism: loss of function.
Neurofibromatosis-Noonan syndrome (NFNS). Also called: NEUROFIBROMATOSIS WITH NOONAN PHENOTYPE. Identifiers: Orphanet 638, MedGen C2931482, MONDO:0011035, OMIM 601321. Disease mechanism: loss of function.
Café-au-lait macules with pulmonary stenosis (WTSN). Also called: PULMONIC STENOSIS WITH CAFE-AU-LAIT SPOTS. Identifiers: MedGen C0553586, MONDO:0008672, OMIM 193520.
Neurofibromatosis, familial spinal (FSNF). Identifiers: Orphanet 636, MedGen C1834235, MONDO:0008078, OMIM 162210. Disease mechanism: loss of function.

Submissions (3):

Ambry Genetics
Classification: Pathogenic for Cardiovascular phenotype; Hereditary cancer-predisposing syndrome. Last evaluated: 2020-01-02. Review status: criteria provided, single submitter. Criteria: Ambry Variant Classification Scheme 2023. Collection method: clinical testing. Allele origin: germline.
Comment: The c.7267_7268insAA pathogenic mutation, located in coding exon 49 of the NF1 gene, results from an insertion of two nucleotides at position 7267, causing a translational frameshift with a predicted alternate stop codon (p.T2423Kfs*13). This alteration is expected to result in loss of function by premature protein truncation or nonsense-mediated mRNA decay. As such, this alteration is interpreted as a disease-causing mutation.

GeneDx
Classification: Pathogenic. Last evaluated: 2018-02-16. Review status: criteria provided, single submitter. Criteria: GeneDx Variant Classification (06012015). Collection method: clinical testing. Allele origin: germline. Affected: yes.
Comment: The c.7267_7268insAA variant in the NF1 gene has not been published as a pathogenic variant, nor has it been reported as a benign variant to our knowledge. This insertion causes a frameshift starting with codon Threonine 2423, changes this amino acid to a Lysine residue and creates a premature Stop codon at position 13 of the new reading frame, denoted p.Thr2423LysfsX13. This variant is predicted to cause loss of normal protein function either through protein truncation or nonsense-mediated mRNA decay. The c.7267_7268insAA variant is not observed in large population cohorts (Lek et al., 2016). Based on currently available evidence, we consider this a pathogenic variant.

Molecular Genetics Department, Kulakov National Medical Research Center for Obstetrics, Gynecology and Perinatology
Classification: Pathogenic for Neurofibromatosis, type 1; Neurofibromatosis, familial spinal; Café-au-lait macules with pulmonary stenosis; Neurofibromatosis-Noonan syndrome. Review status: criteria provided, single submitter. Criteria: ACMG Guidelines, 2015. Collection method: clinical testing. Allele origin: germline. Affected: yes. Observed: 1 variant allele.
Comment: A previously undescribed heterozygous nucleotide variant creates a frameshift p.Thr2444LysfsTer13 in the NF1 gene (rs1064794278). Heterozygous loss-of-function variants are reported in patients with neurofibromatosis, familial spinal, 162210; Neurofibromatosis-Noonan syndrome, 601321; Neurofibromatosis, type 1, 162200; Watson syndrome, 193520. The variant is not present in population database (gnomAD no frequency). Another heterozygous variant leading to a frameshift and resulting in loss of the full-length protein, has been reported in patients with neurofibromatosis [Martínez et al., 2024, PMID: 39596125; Osborne et al., 1999, PMID: 10543400]. In summary, the currently available evidence indicates that the variant is pathogenic, but additional data are needed to prove that conclusively. Therefore, this variant has been classified as pathogenic.

Literature cited by the submitters: PubMed 39596125 (cited by Molecular Genetics Department, Kulakov National Medical Research Center for Obstetrics, Gynecology and Perinatology); PubMed 10543400 (cited by Molecular Genetics Department, Kulakov National Medical Research Center for Obstetrics, Gynecology and Perinatology).

NM_001042492.3(NF1):c.7330_7331insAA (p.Thr2444fs)

Gene: NF1 (neurofibromin 1; plus strand). Cytogenetic location: 17q11.2.
Variant type: Insertion.
Coding change: c.7330_7331insAA on transcript NM_001042492.3 (MANE Select); coding-DNA positions 7330 to 7331, AA inserted.
Protein change: p.Thr2444fs; shifts the reading frame from threonine 2444.
Molecular consequence: frameshift variant.
Genome position: GRCh38 VCF-style: chr17-31350190-T-TAA. GRCh37 (hg19) VCF-style: chr17-29677208-T-TAA.
Other names: c.7267_7268insAA, p.Thr2423Lysfs (NM_000267.4); short protein forms T2423fs, T2444fs.
Identifiers: ClinVar variation 504361 (VCV000504361.7), dbSNP rs1064794278, ClinGen allele CA658798782.
Genomic context (GRCh38, chr17:31,350,190, plus strand): 5'-AGTCACACTTGTGATTTGTTAAATTTTTTAACCTGCCACCGTTTTCCTTTTAGCTTTACT[T>TAA]ACAGTGTCTGAAGAAGTTCGAAGTCGCTGCAGCCTAAAACATAGAAAGTCACTTCTTCTT-3'